The following is an entry in ClinVar:

ClinVar aggregate classification (germline): Uncertain significance (1 of 4 stars; one submission).

gnomAD v4.1: 4 of 1,589,746 alleles (0.00025%); highest among the groups gnomAD compares: African/African-American, 0.0013%; no homozygotes.

Submission:

Mayo Clinic Laboratories, Mayo Clinic
Classification: Uncertain significance. Last evaluated: 2023-06-14. Review status: criteria provided, single submitter. Criteria: ACMG Guidelines, 2015. Collection method: clinical testing. Allele origin: germline. Observed: 1 variant allele.
Comment: BP4, PM2_moderate

NM_016035.5(COQ4):c.31C>T (p.Arg11Trp)

Gene: COQ4 (coenzyme Q4; plus strand). Cytogenetic location: 9q34.11.
Variant type: single nucleotide variant.
Coding change: c.31C>T on transcript NM_016035.5 (MANE Select); coding-DNA position 31, C replaced by T.
Protein change: p.Arg11Trp; replaces arginine 11 with tryptophan.
Molecular consequence: missense variant.
Genome position (GRCh38, 1-based): chr9:128,322,889, C>T. VCF-style: chr9-128322889-C-T. GRCh37 (hg19) VCF-style: chr9-131085168-C-T.
Other names: p.Arg11Trp; c.31C>T, p.Arg11Trp (NM_001305942.2); short protein forms R11W.
Identifiers: ClinVar variation 3379898 (VCV003379898.1).